The following is an entry in ClinVar:

NM_000388.4(CASR):c.1250C>G (p.Ser417Cys)

Gene: CASR (calcium sensing receptor; plus strand). Cytogenetic location: 3q21.1.
Variant type: single nucleotide variant.
Coding change: c.1250C>G on transcript NM_000388.4 (MANE Select); coding-DNA position 1250, C replaced by G.
Protein change: p.Ser417Cys; replaces serine 417 with cysteine.
Molecular consequence: missense variant.
Genome position (GRCh38, 1-based): chr3:122,262,285, C>G. VCF-style: chr3-122262285-C-G. GRCh37 (hg19) VCF-style: chr3-121981132-C-G.
Other names: c.1250C>G, p.Ser417Cys (NM_001178065.2); c.1250C>G (NM_001178065.1); short protein forms S417C.
Identifiers: ClinVar variation 804658 (VCV000804658.12), dbSNP rs1576859379, ClinGen allele CA354152917.
Genomic context (GRCh38, chr3:122,262,285, plus strand): 5'-GGGATGAGAACATCAGCAGTGTCGAGACCCCTTACATAGATTACACGCATTTACGGATAT[C>G]CTACAATGTGTACTTAGCAGTCTACTCCATTGCCCACGCCTTGCAAGATATATATACCTG-3'
Protein context (NP_000379.3, residues 407-427): PYIDYTHLRI[Ser417Cys]YNVYLAVYSI

ClinVar aggregate classification (germline): Conflicting classifications of pathogenicity. Review status: criteria provided, conflicting classifications (1 of 4 stars). 4 submissions from 4 submitters: Pathogenic (1); Likely pathogenic (2); Uncertain significance (1). Last evaluated 2026-05-07.

Conditions:
CASR-related disorder. Also called: CASR-related condition.
Autosomal dominant hypocalcemia 1 (HYPOC1). Also called: HYPOCALCEMIA, FAMILIAL. Identifiers: MedGen C3715128, MONDO:0011013, OMIM 601198.
Familial hypocalciuric hypercalcemia (FHH). Also called: Familial benign hypercalcemia. Identifiers: Orphanet 405, MedGen C1809471, MONDO:0018458.
Nephrolithiasis/nephrocalcinosis. Identifiers: MedGen CN580796.

Allele frequency attached by ClinVar (database versions not stated): gnomAD exomes below 0.00001.
gnomAD v4.1: 2 of 1,614,128 alleles (0.00012%); highest among the groups gnomAD compares: Non-Finnish European, 0.00017%; no homozygotes.

Submissions (4):

PreventionGenetics, part of Exact Sciences
Classification: Likely pathogenic for CASR-related condition. Last evaluated: 2026-05-07. Review status: criteria provided, single submitter. Criteria: ACMG Guidelines, 2015. Collection method: clinical testing. Allele origin: germline.
Comment: The CASR c.1250C>G variant is predicted to result in the amino acid substitution p.Ser417Cys. This variant has been reported in the heterozygous state in at least two individuals with familial hypocalciuric hypercalcemia (Szczawinska et al. 2014. PubMed ID: 24517148; Glaudo et al 2016. PubMed ID: 27666534, limited clinical and biochemical data was provided). Functional studies indicate this variant may result in mild impairment of the CaSR function (Szczawinska et al 2014. PubMed ID: 24517148; Glaudo et al 2016. PubMed ID: 27666534). This variant was also reported in additional individuals with elevated or high normal serum calcium levels (Dershem R et al 2020. PubMed ID: 32386559). This variant has not been reported in a large population database (gnomAD), indicating this variant is rare. This variant is interpreted as likely pathogenic.

Labcorp Genetics (formerly Invitae), Labcorp
Classification: Pathogenic for Familial hypocalciuric hypercalcemia; Autosomal dominant hypocalcemia 1. Last evaluated: 2026-01-11. Review status: criteria provided, single submitter. Criteria: Invitae Variant Classification Sherloc (09022015). Collection method: clinical testing. Allele origin: germline.
Comment: This sequence change replaces serine, which is neutral and polar, with cysteine, which is neutral and slightly polar, at codon 417 of the CASR protein (p.Ser417Cys). This variant is not present in population databases (gnomAD no frequency). This missense change has been observed in individual(s) with clinical features of familial hypocalciuric hypercalcemia (PMID: 24517148, 27666534, 32386559). Invitae Evidence Modeling of clinical and family history, age, sex, and reported ancestry of multiple individuals with this CASR variant has been performed. This variant is expected to be pathogenic with a positive predictive value of at least 99%. This is a validated machine learning model that incorporates the clinical features of 646,172 individuals referred to our laboratory for CASR testing. ClinVar contains an entry for this variant (Variation ID: 804658). An algorithm developed to predict the effect of missense changes on protein structure and function (PolyPhen-2) suggests that this variant is likely to be disruptive. Experimental studies have shown that this missense change affects CASR function (PMID: 24517148, 27666534, 32386559). For these reasons, this variant has been classified as Pathogenic.

Ambry Genetics
Classification: Uncertain significance for Nephrolithiasis/nephrocalcinosis. Last evaluated: 2022-09-22. Review status: criteria provided, single submitter. Criteria: Ambry Variant Classification Scheme 2023. Collection method: clinical testing. Allele origin: germline.
Comment: The p.S417C variant (also known as c.1250C>G), located in coding exon 3 of the CASR gene, results from a C to G substitution at nucleotide position 1250. The serine at codon 417 is replaced by cysteine, an amino acid with dissimilar properties. This alteration was identified in an asymptomatic individual diagnosed with familial hypocalciuric hypercalcemia (FHH) (Glaudo M et al. Eur J Endocrinol, 2016 Nov;175:421-31). This alteration was also identified in multiple individuals with high normal or elevated serum calcium levels (Dershem R et al. Am J Hum Genet, 2020 06;106:734-747). This amino acid position is highly conserved in available vertebrate species. In addition, this alteration is predicted to be deleterious by in silico analysis. Since supporting evidence is limited at this time, the clinical significance of this alteration remains unclear.

Athena Diagnostics
Classification: Likely pathogenic. Last evaluated: 2019-08-15. Review status: criteria provided, single submitter. Criteria: Athena Diagnostics Criteria. Collection method: clinical testing. Allele origin: germline.
Comment: Not found in the total gnomAD dataset, and the data is high quality (0/282790 chr). Found in at least one symptomatic patient. Conflicting predictions of the effect on the protein. Located in potentially critical domain of the protein. Damaging to protein function(s) relevant to disease mechanism.

Literature cited by the submitters: PubMed 24517148 (cited by 3 submitters); PubMed 27666534 (cited by 3 submitters); PubMed 32386559 (cited by Labcorp Genetics (formerly Invitae), Labcorp and Ambry Genetics).